The following is an entry in ClinVar:

ClinVar aggregate classification (germline): Uncertain significance. Review status: criteria provided, multiple submitters, no conflicts (2 of 4 stars). 3 submissions from 3 submitters: Uncertain significance (2). 1 of the submissions does not count toward it. Last evaluated 2025-09-24.

Conditions:
Charcot-Marie-Tooth disease, type I (CMT1). Also called: Charcot-Marie-Tooth, Type 1; Charcot-Marie-Tooth disease type 1. Identifiers: Orphanet 65753, MedGen C0751036, MONDO:0019011.
Charcot-Marie-Tooth disease. Also called: Charcot-Marie-Tooth Neuropathy; Charcot-Marie-Tooth Hereditary Neuropathy. Identifiers: Orphanet 166, MedGen C0007959, MONDO:0015626.

Submissions (3):

Mayo Clinic Laboratories, Mayo Clinic
Classification: Uncertain significance. Last evaluated: 2025-09-24. Review status: criteria provided, single submitter. Criteria: ACMG Guidelines, 2015. Collection method: clinical testing. Allele origin: germline. Observed: 1 variant allele.
Comment: PP3_moderate, PM2_supporting, PM5

Labcorp Genetics (formerly Invitae), Labcorp
Classification: Uncertain significance for Charcot-Marie-Tooth disease, type I. Last evaluated: 2023-12-31. Review status: criteria provided, single submitter. Criteria: Invitae Variant Classification Sherloc (09022015). Collection method: clinical testing. Allele origin: germline.
Comment: This sequence change replaces tryptophan, which is neutral and slightly polar, with cysteine, which is neutral and slightly polar, at codon 28 of the PMP22 protein (p.Trp28Cys). This variant is not present in population databases (gnomAD no frequency). This missense change has been observed in individual(s) with autosomal dominant PMP22-related conditions (PMID: 34332267). It has also been observed to segregate with disease in related individuals. ClinVar contains an entry for this variant (Variation ID: 827643). An algorithm developed to predict the effect of missense changes on protein structure and function (PolyPhen-2) suggests that this variant is likely to be disruptive. This variant disrupts the p.Trp28 amino acid residue in PMP22. Other variant(s) that disrupt this residue have been observed in individuals with PMP22-related conditions (PMID: 11835375), which suggests that this may be a clinically significant amino acid residue. In summary, the available evidence is currently insufficient to determine the role of this variant in disease. Therefore, it has been classified as a Variant of Uncertain Significance.

Inherited Neuropathy Consortium
Classification: Uncertain significance for Charcot-Marie-Tooth disease. Review status: no assertion criteria provided. Collection method: research. Allele origin: inherited. Affected: yes. Not counted in ClinVar's aggregate classification.

Literature cited by the submitters: PubMed 34332267 (cited by Mayo Clinic Laboratories, Mayo Clinic and Labcorp Genetics (formerly Invitae), Labcorp); PubMed 11835375 (cited by Labcorp Genetics (formerly Invitae), Labcorp).

NM_000304.4(PMP22):c.84G>T (p.Trp28Cys)

Gene: PMP22 (peripheral myelin protein 22; minus strand). Cytogenetic location: 17p12.
Variant type: single nucleotide variant.
Coding change: c.84G>T on transcript NM_000304.4 (MANE Select); coding-DNA position 84, G replaced by T.
Protein change: p.Trp28Cys; replaces tryptophan 28 with cysteine.
Molecular consequence: missense variant. On other transcripts: non-coding transcript variant (1).
Genome position (GRCh38, 1-based): chr17:15,259,188, C>A on the plus strand (G>T on the coding strand, the complement: PMP22 is on the minus strand). VCF-style: chr17-15259188-C-A. GRCh37 (hg19) VCF-style: chr17-15162505-C-A.
Other names: p.Trp28Cys; c.84G>T, p.Trp28Cys (NM_001281455.2, NM_001281456.2, NM_001330143.2 and 2 more transcripts); short protein forms W28C.
Identifiers: ClinVar variation 827643 (VCV000827643.8), dbSNP rs1442525908, ClinGen allele CA398271186.